The following is an entry in ClinVar:

NM_024675.4(PALB2):c.48+1G>A

Gene: PALB2 (partner and localizer of BRCA2; minus strand). Cytogenetic location: 16p12.2.
Variant type: single nucleotide variant.
Coding change: c.48+1G>A on transcript NM_024675.4 (MANE Select); the canonical splice donor site of the intron after coding-DNA position 48, G replaced by A.
Molecular consequence: splice donor variant. On other transcripts: 5 prime UTR variant (2), intron variant (2).
Genome position (GRCh38, 1-based): chr16:23,641,109, C>T on the plus strand (G>A on the coding strand, the complement: PALB2 is on the minus strand). VCF-style: chr16-23641109-C-T. GRCh37 (hg19) VCF-style: chr16-23652430-C-T.
Other names: c.-1695G>A (NM_001407304.1, NM_001407310.1); c.-838+18G>A (NM_001407308.1, NM_001407306.1); c.48+1G>A (NM_001407314.1, NM_001407296.1, NM_001407297.1 and 5 more transcripts); c.-105+1G>A (NM_001407313.1, NM_001407312.1); c.-972+1G>A (NM_001407307.1, NM_001407309.1, NM_001407311.1 and 1 more transcripts).
Identifiers: ClinVar variation 482019 (VCV000482019.19), dbSNP rs515726118, ClinGen allele CA395140998.

ClinVar aggregate classification (germline): Pathogenic/Likely pathogenic. Review status: criteria provided, multiple submitters, no conflicts (2 of 4 stars). 6 submissions from 6 submitters: Pathogenic (1); Likely pathogenic (5). Last evaluated 2026-06-29.

Conditions:
PALB2-related disorder. Also called: PALB2-related condition; PALB2-related disorders.
Hereditary cancer-predisposing syndrome. Also called: Neoplastic Syndromes, Hereditary; Hereditary neoplastic syndrome; Hereditary Cancer Syndrome; Tumor predisposition. Identifiers: Orphanet 140162, MedGen C0027672, MeSH D009386, MONDO:0015356.
Familial cancer of breast. Also called: hereditary breast carcinoma; Hereditary breast cancer; BREAST CANCER, FAMILIAL. Identifiers: Orphanet 227535, MedGen C0346153, MONDO:0016419, OMIM 114480. Disease mechanism: loss of function.

Submissions (6):

Ambry Genetics
Classification: Likely pathogenic for Hereditary cancer-predisposing syndrome. Last evaluated: 2026-06-29. Review status: criteria provided, single submitter. Criteria: Ambry Variant Classification Scheme 2023. Collection method: clinical testing. Allele origin: germline.
Comment: The c.48+1G>A intronic variant results from a G to A substitution one nucleotide after coding exon 1 of the PALB2 gene. This alteration has been reported in multiple breast cancer cases (Hellebrand H et al. Hum Mutat, 2011 Jun;32:E2176-88; Dorling et al. N Engl J Med. 2021 02;384:428-439). This variant is considered to be rare based on population cohorts in the Genome Aggregation Database (gnomAD). This nucleotide position is highly conserved in available vertebrate species. In silico splice site analysis predicts that this alteration will weaken the native splice donor site and may result in the creation or strengthening of a novel splice donor site; however, direct evidence is insufficient at this time (Ambry internal data). Alterations that disrupt the canonical splice site are expected to cause aberrant splicing, resulting in an abnormal protein or a transcript that is subject to nonsense-mediated mRNA decay. As such, this alteration is classified as likely pathogenic.

Myriad Genetics, Inc.
Classification: Likely pathogenic for Familial cancer of breast. Last evaluated: 2023-09-05. Review status: criteria provided, single submitter. Criteria: Myriad Autosomal Dominant, Autosomal Recessive and X-Linked Classification Criteria (2023). Collection method: clinical testing. Allele origin: unknown.
Comment: This variant is considered likely pathogenic. This variant occurs within a consensus splice junction and is predicted to result in abnormal mRNA splicing of either an out-of-frame exon or an in-frame exon necessary for protein stability and/or normal function.

Blueprint Genetics
Classification: Pathogenic for PALB2-related disorders. Last evaluated: 2023-07-04. Review status: criteria provided, single submitter. Criteria: ACMG Guidelines, 2015. Collection method: clinical testing. Allele origin: germline. Affected: yes. Observed: 3 variant alleles.

Color Diagnostics, LLC DBA Color Health
Classification: Likely pathogenic for Hereditary cancer-predisposing syndrome. Last evaluated: 2022-10-10. Review status: criteria provided, single submitter. Criteria: ACMG Guidelines, 2015. Collection method: clinical testing. Allele origin: germline.
Comment: This variant causes a G to A nucleotide substitution at the +1 position of intron 1 of the PALB2 gene. A minigene splicing assay has shown that this variant results predominantly in the out-of-frame deletion of 17 nucleotides from exon 1 (PMID: 34846068). This variant has been detected in a breast cancer case-control meta-analysis in 1/60466 cases and 0/53461 unaffected individuals (PMID: 33471991; Leiden Open Variation Database DB-ID PALB2_011230) and in an individual with personal or family history of breast and/or ovarian cancer (PMID: 31159747). This variant has not been identified in the general population by the Genome Aggregation Database (gnomAD). Loss of PALB2 function is a known mechanism of disease. Based on the available evidence, this variant is classified as Likely Pathogenic.

GeneKor MSA
Classification: Likely pathogenic. Last evaluated: 2020-01-01. Review status: criteria provided, single submitter. Criteria: ACMG Guidelines, 2015. Collection method: clinical testing. Allele origin: germline.
Comment: This sequence change occurs 1 nucleotides after exon 1 of the PALB2 gene. This position is highly conserved in the human and other genomes and is crucial in mRNA processing. This variant is expected to disrupt RNA splicing and likely results in an absent or disrupted protein product. Truncating variants in PALB2 are known to be pathogenic (PMID: 17200668, 24136930, 25099575). Also, donor and acceptor splice site variants as usual lead to a loss of protein function (PMID: 16199547). This variant has been described in the international literature in an individual undergoing panel testing for hereditary syndrome (PMID: 31159747). The mutation database ClinVar contains entries for this variant (Variation ID:482019).

Labcorp Genetics (formerly Invitae), Labcorp
Classification: Likely pathogenic for Familial cancer of breast. Last evaluated: 2017-12-18. Review status: criteria provided, single submitter. Criteria: Invitae Variant Classification Sherloc (09022015). Collection method: clinical testing. Allele origin: germline.
Comment: In summary, the currently available evidence indicates that the variant is pathogenic, but additional data are needed to prove that conclusively. Therefore, this variant has been classified as Likely Pathogenic. Donor and acceptor splice site variants typically lead to a loss of protein function (PMID: 16199547), and loss-of-function variants in PALB2 are known to be pathogenic (PMID: 17200668, 24136930, 25099575). This variant has not been reported in the literature in individuals with PALB2-related disease. This variant is not present in population databases (ExAC no frequency). This sequence change affects a donor splice site in intron 1 of the PALB2 gene. It is expected to disrupt RNA splicing and likely results in an absent or disrupted protein product.

Literature cited by the submitters: PubMed 21618343 (cited by Ambry Genetics); PubMed 30890586 (cited by Ambry Genetics); PubMed 33471991 (cited by Ambry Genetics and Color Diagnostics, LLC DBA Color Health); PubMed 31159747 (cited by Color Diagnostics, LLC DBA Color Health); PubMed 34846068 (cited by Color Diagnostics, LLC DBA Color Health); PubMed 16199547 (cited by Labcorp Genetics (formerly Invitae), Labcorp); PubMed 17200668 (cited by Labcorp Genetics (formerly Invitae), Labcorp); PubMed 24136930 (cited by Labcorp Genetics (formerly Invitae), Labcorp); PubMed 25099575 (cited by Labcorp Genetics (formerly Invitae), Labcorp).